The following is an entry in ClinVar:

ClinVar aggregate classification (germline): Conflicting classifications of pathogenicity. Review status: criteria provided, conflicting classifications (1 of 4 stars). 3 submissions from 3 submitters: Pathogenic (1); Uncertain significance (1). 1 of the submissions does not count toward it. Last evaluated 2025-09-18.

Conditions:
Metachromatic leukodystrophy (MLD). Also called: ARSA DEFICIENCY; CEREBROSIDE SULFATASE DEFICIENCY; METACHROMATIC LEUKOENCEPHALOPATHY; Cerebral sclerosis diffuse metachromatic form; Arylsulfatase A Deficiency; SULFATIDE LIPIDOSIS. Identifiers: Orphanet 512, MedGen C0023522, MONDO:0018868, OMIM 250100.

Submissions (3):

Women's Health and Genetics/Laboratory Corporation of America, LabCorp
Classification: Uncertain significance. Last evaluated: 2025-09-18. Review status: criteria provided, single submitter. Criteria: LabCorp Variant Classification Summary - May 2015. Collection method: clinical testing. Allele origin: germline.
Comment: Variant summary: ARSA c.755C>A (p.Ser252Tyr) results in a non-conservative amino acid change in the encoded protein sequence. Algorithms developed to predict the effect of missense changes on protein structure and function all suggest that this variant is likely to be disruptive. The frequency data for this variant in gnomAD is considered unreliable, as metrics indicate poor data quality at this position. c.755C>A has been observed in an individual affected with Metachromatic Leukodystrophy (Draghia_1997). These data do not allow any conclusion about variant significance. To our knowledge, no experimental evidence demonstrating an impact on protein function has been reported. The following publication has been ascertained in the context of this evaluation (PMID: 9090526). ClinVar contains an entry for this variant (Variation ID: 68150). Based on the evidence outlined above, the variant was classified as uncertain significance.

Mendelics
Classification: Pathogenic for Metachromatic leukodystrophy. Last evaluated: 2022-05-04. Review status: criteria provided, single submitter. Criteria: Mendelics Assertion Criteria 2019. Collection method: clinical testing. Allele origin: germline.

UniProtKB/Swiss-Prot
No classification provided. Review status: no classification provided. Collection method: not provided. Allele origin: not provided. Not counted in ClinVar's aggregate classification.

Literature cited by the submitters: PubMed 9090526 (cited by Women's Health and Genetics/Laboratory Corporation of America, LabCorp).

NM_000487.6(ARSA):c.755C>A (p.Ser252Tyr)

Gene: ARSA (arylsulfatase A; minus strand). Cytogenetic location: 22q13.33.
Variant type: single nucleotide variant.
Coding change: c.755C>A on transcript NM_000487.6 (MANE Select); coding-DNA position 755, C replaced by A.
Protein change: p.Ser252Tyr; replaces serine 252 with tyrosine.
Molecular consequence: missense variant.
Genome position (GRCh38, 1-based): chr22:50,626,690, G>T on the plus strand (C>A on the coding strand, the complement: ARSA is on the minus strand). VCF-style: chr22-50626690-G-T. GRCh37 (hg19) VCF-style: chr22-51065118-G-T.
Other names: c.755C>A, p.Ser252Tyr (NM_001085425.3, NM_001085426.3, NM_001085427.3); c.497C>A, p.Ser166Tyr (NM_001085428.3, NM_001362782.2); short protein forms S252Y, S166Y.
Identifiers: ClinVar variation 68150 (VCV000068150.3), dbSNP rs199476367, ClinGen allele CA219056.